The following is an entry in ClinVar:

ClinVar aggregate classification (germline): Benign. Review status: criteria provided, multiple submitters, no conflicts (2 of 4 stars). 12 submissions from 12 submitters: Benign (11). 1 of the submissions does not count toward it. Last evaluated 2026-02-04.

Conditions:
Familial melanoma. Also called: Hereditary melanoma; Hereditary cutaneous melanoma. Identifiers: Orphanet 618, MedGen C1512419, MONDO:0018961.
Hereditary cancer-predisposing syndrome. Also called: Tumor predisposition; Hereditary Cancer Syndrome; Hereditary neoplastic syndrome; Neoplastic Syndromes, Hereditary. Identifiers: Orphanet 140162, MedGen C0027672, MeSH D009386, MONDO:0015356.
Melanoma, cutaneous malignant, susceptibility to, 3. Also called: Cutaneous malignant melanoma 3. Identifiers: Orphanet 618, MedGen C1836892, MONDO:0012183, OMIM 609048.

Allele frequency attached by ClinVar (database versions not stated): gnomAD exomes 0.00065 and 0.00189; ExAC 0.00231; gnomAD 0.00640 and 0.00692; TOPMed 0.00728; 1000 Genomes Project 30x 0.00750; 1000 Genomes Project 0.00759; ESP Exome Variant Server 0.00777.
gnomAD v4.1: 1,967 of 1,614,202 alleles (0.12%); highest among the groups gnomAD compares: African/African-American, 2.2%; 31 homozygotes.

Submissions (12):

Labcorp Genetics (formerly Invitae), Labcorp
Classification: Benign for Familial melanoma. Last evaluated: 2026-02-04. Review status: criteria provided, single submitter. Criteria: Invitae Variant Classification Sherloc (09022015). Collection method: clinical testing. Allele origin: germline.

Quest Diagnostics Nichols Institute San Juan Capistrano
Classification: Benign. Last evaluated: 2025-05-19. Review status: criteria provided, single submitter. Criteria: Quest Diagnostics criteria. Collection method: clinical testing. Allele origin: unknown.

Center for Genomic Medicine, Rigshospitalet, Copenhagen University Hospital
Classification: Benign. Last evaluated: 2025-03-04. Review status: criteria provided, single submitter. Criteria: ACMG Guidelines, 2015. Collection method: clinical testing. Allele origin: germline.

KCCC/NGS Laboratory, Kuwait Cancer Control Center
Classification: Benign for Melanoma, cutaneous malignant, susceptibility to, 3. Last evaluated: 2023-07-07. Review status: criteria provided, single submitter. Criteria: ACMG Guidelines, 2015. Collection method: clinical testing. Allele origin: germline. Affected: yes.

Myriad Genetics, Inc.
Classification: Benign for Melanoma, cutaneous malignant, susceptibility to, 3. Last evaluated: 2023-03-07. Review status: criteria provided, single submitter. Criteria: Myriad Autosomal Dominant, Autosomal Recessive and X-Linked Classification Criteria (2023). Collection method: clinical testing. Allele origin: unknown.
Comment: This variant is considered benign. This variant is a silent/synonymous amino acid change and it is not expected to impact splicing.

Genetic Services Laboratory, University of Chicago
Classification: Benign. Last evaluated: 2021-04-02. Review status: criteria provided, single submitter. Criteria: ACMG Guidelines, 2015. Collection method: clinical testing. Allele origin: germline. Affected: no.

Women's Health and Genetics/Laboratory Corporation of America, LabCorp
Classification: Benign. Last evaluated: 2016-01-25. Review status: criteria provided, single submitter. Criteria: LabCorp Variant Classification Summary - May 2015. Collection method: clinical testing. Allele origin: germline.
Comment: Variant summary: The c.447A>G in CDK4 gene is a synonymous change that involves a non-conserved nucleotide. 5/5 programs in Alamut predict that this variant does not affect normal splicing, however no functional studies supporting this notion were published at the time of evaluation. The variant is present in the control population dataset of ExAC at an overall frequency of 0.23%, being most prevalent in individuals of African descent (2.5%), including several homozygotes. The observed frequency exceeds the maximum expected allele frequency for a pathogenic CDK4 variant of 0.002%, suggesting that it is a common polymorphism. The variant has been reported as Benign by reputable database/clinical laboratory without providing evidence to independently evaluate. Taken together, this variant has been classified as Benign.

GeneDx
Classification: Benign. Last evaluated: 2015-03-03. Review status: criteria provided, single submitter. Criteria: GeneDx Variant Classification Process June 2021. Collection method: clinical testing. Allele origin: germline. Affected: yes.

Ambry Genetics
Classification: Benign for Hereditary cancer-predisposing syndrome. Last evaluated: 2015-01-07. Review status: criteria provided, single submitter. Criteria: Ambry Variant Classification Scheme 2023. Collection method: clinical testing. Allele origin: germline.

Breakthrough Genomics
Classification: Benign. Review status: criteria provided, single submitter. Criteria: ACMG Guidelines, 2015. Collection method: not provided. Allele origin: germline. Inheritance: Autosomal dominant inheritance. Affected: yes.

PreventionGenetics, part of Exact Sciences
Classification: Benign. Review status: criteria provided, single submitter. Criteria: ACMG Guidelines, 2015. Collection method: clinical testing. Allele origin: germline.

Counsyl
Classification: Benign for Melanoma, cutaneous malignant, susceptibility to, 3. Last evaluated: 2016-06-27. Review status: no assertion criteria provided. Collection method: clinical testing. Allele origin: unknown. Not counted in ClinVar's aggregate classification.

NM_000075.4(CDK4):c.696G>A (p.Leu232=)

Genes: TSPAN31 (tetraspanin 31; plus strand), CDK4 (cyclin dependent kinase 4; minus strand). Cytogenetic location: 12q14.1.
Variant type: single nucleotide variant.
Coding change: c.696G>A on transcript NM_000075.4 (MANE Select); coding-DNA position 696, G replaced by A.
Protein change: p.Leu232=; no amino-acid change (leucine 232 retained).
Molecular consequence: synonymous variant. On other transcripts: 3 prime UTR variant (3).
Genome position (GRCh38, 1-based): chr12:57,749,305, C>T on the plus strand (G>A on the coding strand, the complement: CDK4 is on the minus strand). VCF-style: chr12-57749305-C-T. GRCh37 (hg19) VCF-style: chr12-58143088-C-T.
Other names: c.*2015C>T (NM_001330168.2, NM_001330169.2, NM_005981.5).
Identifiers: ClinVar variation 184151 (VCV000184151.35), dbSNP rs2227953, ClinGen allele CA187992.